The following is an entry in ClinVar:

ClinVar aggregate classification (germline): Likely benign. Review status: criteria provided, multiple submitters, no conflicts (2 of 4 stars). 2 submissions from 2 submitters: Likely benign (2). Last evaluated 2025-03-12.

Conditions:
HSPB1-related disorder. Also called: HSPB1-related disorders; HSPB1-related condition.
Charcot-Marie-Tooth disease axonal type 2F (CMT2F). Also called: CHARCOT-MARIE-TOOTH DISEASE, NEURONAL, TYPE 2F; Charcot-Marie-Tooth Neuropathy Type 2F. Identifiers: Orphanet 99940, MedGen C1847823, MONDO:0011687, OMIM 606595.

Allele frequency attached by ClinVar (database versions not stated): gnomAD exomes 0.00001; TOPMed 0.00004; gnomAD 0.00005 and 0.00006.
gnomAD v4.1: 15 of 1,559,208 alleles (0.00096%); highest among the groups gnomAD compares: African/African-American, 0.019%; no homozygotes.

Submissions (2):

PreventionGenetics, part of Exact Sciences
Classification: Likely benign for HSPB1-related condition. Last evaluated: 2025-03-12. Review status: criteria provided, single submitter. Criteria: ACMG Guidelines, 2015. Collection method: clinical testing. Allele origin: germline.
Comment: This variant is classified as likely benign based on ACMG/AMP sequence variant interpretation guidelines (Richards et al. 2015 PMID: 25741868, with internal and published modifications).

Labcorp Genetics (formerly Invitae), Labcorp
Classification: Likely benign for Charcot-Marie-Tooth disease axonal type 2F. Last evaluated: 2023-08-14. Review status: criteria provided, single submitter. Criteria: Invitae Variant Classification Sherloc (09022015). Collection method: clinical testing. Allele origin: germline.

NM_001540.5(HSPB1):c.174G>C (p.Leu58=)

Gene: HSPB1 (heat shock protein family B (small) member 1; plus strand). Cytogenetic location: 7q11.23.
Variant type: single nucleotide variant.
Coding change: c.174G>C on transcript NM_001540.5 (MANE Select); coding-DNA position 174, G replaced by C.
Protein change: p.Leu58=; no amino-acid change (leucine 58 retained).
Molecular consequence: synonymous variant.
Genome position (GRCh38, 1-based): chr7:76,302,886, G>C. VCF-style: chr7-76302886-G-C. GRCh37 (hg19) VCF-style: chr7-75932203-G-C.
Other names: c.174G>C (NM_001540.3).
Identifiers: ClinVar variation 1622065 (VCV001622065.9), dbSNP rs892258745, ClinGen allele CA160899217.